The following is an entry in ClinVar:

NM_005751.5(AKAP9):c.4402A>C (p.Lys1468Gln)

Gene: AKAP9 (A-kinase anchoring protein 9; plus strand). Cytogenetic location: 7q21.2.
Variant type: single nucleotide variant.
Coding change: c.4402A>C on transcript NM_005751.5 (MANE Select); coding-DNA position 4402, A replaced by C.
Protein change: p.Lys1468Gln; replaces lysine 1468 with glutamine.
Molecular consequence: missense variant.
Genome position (GRCh38, 1-based): chr7:92,038,482, A>C. VCF-style: chr7-92038482-A-C. GRCh37 (hg19) VCF-style: chr7-91667796-A-C.
Other names: c.4402A>C, p.Lys1468Gln (NM_147185.3); short protein forms K1468Q.
Identifiers: ClinVar variation 2104631 (VCV002104631.4), dbSNP rs2484807663, ClinGen allele CA368128667.

ClinVar aggregate classification (germline): Uncertain significance (1 of 4 stars; one submission).

Conditions:
Long QT syndrome (LQTS). Identifiers: MedGen C0023976, MeSH D008133, MONDO:0002442. Disease mechanism: loss of function. Inheritance: Various modes of inheritance.

Submission:

Labcorp Genetics (formerly Invitae), Labcorp
Classification: Uncertain significance for Long QT syndrome. Last evaluated: 2024-02-23. Review status: criteria provided, single submitter. Criteria: Invitae Variant Classification Sherloc (09022015). Collection method: clinical testing. Allele origin: germline.
Comment: This sequence change replaces lysine, which is basic and polar, with glutamine, which is neutral and polar, at codon 1468 of the AKAP9 protein (p.Lys1468Gln). This variant is not present in population databases (gnomAD no frequency). This variant has not been reported in the literature in individuals affected with AKAP9-related conditions. ClinVar contains an entry for this variant (Variation ID: 2104631). An algorithm developed to predict the effect of missense changes on protein structure and function (PolyPhen-2) suggests that this variant is likely to be disruptive. In summary, the available evidence is currently insufficient to determine the role of this variant in disease. Therefore, it has been classified as a Variant of Uncertain Significance.